The following is an entry in ClinVar:

ClinVar aggregate classification (germline): Uncertain significance (1 of 4 stars; one submission).

Conditions:
Aicardi-Goutieres syndrome 7 (AGS7). Identifiers: Orphanet 51, MedGen C3888244, MONDO:0014367, OMIM 615846.
Singleton-Merten syndrome 1 (SGMRT1). Also called: Widened medullary cavities of bone, aortic calcification, abnormal dentition, and muscular weakness; Syndrome of widened medullary cavities of the metacarpals and phalanges, aortic calcification and abnormal dentition. Identifiers: Orphanet 85191, MedGen C4225427, MONDO:0024535, OMIM 182250.

Allele frequency attached by ClinVar (database versions not stated): gnomAD exomes 0.00001.

Submission:

Labcorp Genetics (formerly Invitae), Labcorp
Classification: Uncertain significance for Aicardi-Goutieres syndrome 7; Singleton-Merten syndrome 1. Last evaluated: 2024-10-12. Review status: criteria provided, single submitter. Criteria: Invitae Variant Classification Sherloc (09022015). Collection method: clinical testing. Allele origin: germline.
Comment: This sequence change replaces lysine, which is basic and polar, with threonine, which is neutral and polar, at codon 551 of the IFIH1 protein (p.Lys551Thr). This variant is present in population databases (rs577764827, gnomAD 0.01%). This missense change has been observed in individual(s) with clinical features of IFIH1-related conditions (PMID: 31069529). ClinVar contains an entry for this variant (Variation ID: 2120714). Invitae Evidence Modeling of protein sequence and biophysical properties (such as structural, functional, and spatial information, amino acid conservation, physicochemical variation, residue mobility, and thermodynamic stability) has been performed for this missense variant. However, the output from this modeling did not meet the statistical confidence thresholds required to predict the impact of this variant on IFIH1 protein function. In summary, the available evidence is currently insufficient to determine the role of this variant in disease. Therefore, it has been classified as a Variant of Uncertain Significance.

Literature cited by the submitters: PubMed 31069529.

NM_022168.4(IFIH1):c.1652A>C (p.Lys551Thr)

Gene: IFIH1 (interferon induced with helicase C domain 1; minus strand). Cytogenetic location: 2q24.2.
Variant type: single nucleotide variant.
Coding change: c.1652A>C on transcript NM_022168.4 (MANE Select); coding-DNA position 1652, A replaced by C.
Protein change: p.Lys551Thr; replaces lysine 551 with threonine.
Molecular consequence: missense variant.
Genome position (GRCh38, 1-based): chr2:162,278,318, T>G on the plus strand (A>C on the coding strand, the complement: IFIH1 is on the minus strand). VCF-style: chr2-162278318-T-G. GRCh37 (hg19) VCF-style: chr2-163134828-T-G.
Other names: short protein forms K551T.
Identifiers: ClinVar variation 2120714 (VCV002120714.4), dbSNP rs577764827, ClinGen allele CA1934440.